The following is an entry in ClinVar:

ClinVar aggregate classification (germline): Uncertain significance (1 of 4 stars; one submission).

Conditions:
Inborn genetic diseases. Identifiers: MedGen C0950123, MeSH D030342.

gnomAD v4.1: 1 of 1,614,108 alleles (0.000062%); highest among the groups gnomAD compares: Non-Finnish European, 0.000085%; no homozygotes.

Submission:

Ambry Genetics
Classification: Uncertain significance for Inborn genetic diseases. Last evaluated: 2026-01-11. Review status: criteria provided, single submitter. Criteria: Ambry Variant Classification Scheme 2023. Collection method: clinical testing. Allele origin: germline.
Comment: The p.H31N variant (also known as c.91C>A), located in coding exon 2 of the CEP57 gene, results from a C to A substitution at nucleotide position 91. The histidine at codon 31 is replaced by asparagine, an amino acid with similar properties. This amino acid position is conserved. In addition, this alteration is predicted to be tolerated by in silico analysis. Based on the available evidence, the clinical significance of this variant remains unclear.

NM_014679.5(CEP57):c.91C>A (p.His31Asn)

Gene: CEP57 (centrosomal protein 57; plus strand). Cytogenetic location: 11q21.
Variant type: single nucleotide variant.
Coding change: c.91C>A on transcript NM_014679.5 (MANE Select); coding-DNA position 91, C replaced by A.
Protein change: p.His31Asn; replaces histidine 31 with asparagine.
Molecular consequence: missense variant.
Genome position (GRCh38, 1-based): chr11:95,799,277, C>A. VCF-style: chr11-95799277-C-A. GRCh37 (hg19) VCF-style: chr11-95532441-C-A.
Other names: c.64C>A, p.His22Asn (NM_001243776.2); c.91C>A, p.His31Asn (NM_001243777.2, NM_001440871.1, NM_001440872.1 and 6 more transcripts); c.10C>A, p.His4Asn (NM_001363604.2, NM_001440869.1, NM_001440870.1 and 4 more transcripts); short protein forms H22N, H31N, H4N.
Identifiers: ClinVar variation 4842319 (VCV004842319.1).